The following is an entry in ClinVar:

NM_001084.5(PLOD3):c.167T>G (p.Leu56Arg)

Gene: PLOD3 (procollagen-lysine,2-oxoglutarate 5-dioxygenase 3; minus strand). Cytogenetic location: 7q22.1.
Variant type: single nucleotide variant.
Coding change: c.167T>G on transcript NM_001084.5 (MANE Select); coding-DNA position 167, T replaced by G.
Protein change: p.Leu56Arg; replaces leucine 56 with arginine.
Molecular consequence: missense variant.
Genome position (GRCh38, 1-based): chr7:101,216,729, A>C on the plus strand (T>G on the coding strand, the complement: PLOD3 is on the minus strand). VCF-style: chr7-101216729-A-C. GRCh37 (hg19) VCF-style: chr7-100860010-A-C.
Other names: short protein forms L56R.
Identifiers: ClinVar variation 1936200 (VCV001936200.2), dbSNP rs1798283097, ClinGen allele CA368626945.

ClinVar aggregate classification (germline): Uncertain significance (1 of 4 stars; one submission).

Allele frequency attached by ClinVar (database versions not stated): gnomAD exomes below 0.00001; TOPMed below 0.00001.
gnomAD v4.1: 2 of 1,613,956 alleles (0.00012%); highest among the groups gnomAD compares: Non-Finnish European, 0.00017%; no homozygotes.

Submission:

Labcorp Genetics (formerly Invitae), Labcorp
Classification: Uncertain significance. Last evaluated: 2022-07-30. Review status: criteria provided, single submitter. Criteria: Invitae Variant Classification Sherloc (09022015). Collection method: clinical testing. Allele origin: germline.
Comment: This sequence change replaces leucine, which is neutral and non-polar, with arginine, which is basic and polar, at codon 56 of the PLOD3 protein (p.Leu56Arg). This variant is not present in population databases (gnomAD no frequency). This variant has not been reported in the literature in individuals affected with PLOD3-related conditions. Algorithms developed to predict the effect of missense changes on protein structure and function are either unavailable or do not agree on the potential impact of this missense change (SIFT: "Deleterious"; PolyPhen-2: "Benign"; Align-GVGD: "Class C0"). In summary, the available evidence is currently insufficient to determine the role of this variant in disease. Therefore, it has been classified as a Variant of Uncertain Significance.